The following is an entry in ClinVar:

NM_001367624.2(ZNF469):c.10133G>A (p.Gly3378Glu)

Gene: ZNF469 (zinc finger protein 469; plus strand). Cytogenetic location: 16q24.2.
Variant type: single nucleotide variant.
Coding change: c.10133G>A on transcript NM_001367624.2 (MANE Select); coding-DNA position 10133, G replaced by A.
Protein change: p.Gly3378Glu; replaces glycine 3378 with glutamic acid.
Molecular consequence: missense variant.
Genome position (GRCh38, 1-based): chr16:88,437,603, G>A. VCF-style: chr16-88437603-G-A. GRCh37 (hg19) VCF-style: chr16-88504011-G-A.
Other names: NM_001127464.1:c.10049G>A; short protein forms G3378E.
Identifiers: ClinVar variation 3987378 (VCV003987378.1).
Genomic context (GRCh38, chr16:88,437,603, plus strand): 5'-TGCACAGCCCGCAGCGCGTCTACCTGTGCCCCCGGTGCCCCCGGGTCTACCCCGAGCACG[G>A]GGAGCTGCTGGCACACCTGGGCGGGGCGCACGGGCTGCTGGAGCGGCCGGAGCTGCAGCA-3'
Protein context (NP_001354553.1, residues 3368-3388): PRCPRVYPEH[Gly3378Glu]ELLAHLGGAH

ClinVar aggregate classification (germline): Uncertain significance (1 of 4 stars; one submission).

Conditions:
Cardiovascular phenotype. Identifiers: MedGen CN230736.

gnomAD v4.1: 2 of 1,537,404 alleles (0.00013%); highest among the groups gnomAD compares: Non-Finnish European, 0.00018%; no homozygotes.

Submission:

Ambry Genetics
Classification: Uncertain significance for Cardiovascular phenotype. Last evaluated: 2025-06-01. Review status: criteria provided, single submitter. Criteria: Ambry Variant Classification Scheme 2023. Collection method: clinical testing. Allele origin: germline.
Comment: The p.G3350E variant (also known as c.10049G>A), located in coding exon 2 of the ZNF469 gene, results from a G to A substitution at nucleotide position 10049. The glycine at codon 3350 is replaced by glutamic acid, an amino acid with similar properties. This amino acid position is conserved. In addition, this alteration is predicted to be tolerated by in silico analysis. Based on the available evidence, the clinical significance of this variant remains unclear.